The following is an entry in ClinVar:

NM_152564.5(VPS13B):c.3714C>G (p.Asn1238Lys)

Gene: VPS13B (vacuolar protein sorting 13 homolog B; plus strand). Cytogenetic location: 8q22.2.
Variant type: single nucleotide variant.
Coding change: c.3714C>G on transcript NM_152564.5 (MANE Select); coding-DNA position 3714, C replaced by G.
Protein change: p.Asn1238Lys; replaces asparagine 1238 with lysine.
Molecular consequence: missense variant.
Genome position (GRCh38, 1-based): chr8:99,481,646, C>G. VCF-style: chr8-99481646-C-G. GRCh37 (hg19) VCF-style: chr8-100493874-C-G.
Other names: c.3714C>G, p.Asn1238Lys (NM_017890.5); short protein forms N1238K.
Identifiers: ClinVar variation 4780975 (VCV004780975.1).

ClinVar aggregate classification (germline): Uncertain significance (1 of 4 stars; one submission).

Conditions:
Cohen syndrome (COH1). Also called: Cutis verticis gyrata, retinitis pigmentosa, and sensorineural deafness; PEPPER SYNDROME. Identifiers: Orphanet 193, MedGen C0265223, MONDO:0008999, OMIM 216550.

Submission:

Labcorp Genetics (formerly Invitae), Labcorp
Classification: Uncertain significance for Cohen syndrome. Last evaluated: 2025-12-30. Review status: criteria provided, single submitter. Criteria: Invitae Variant Classification Sherloc (09022015). Collection method: clinical testing. Allele origin: germline.
Comment: This sequence change replaces asparagine, which is neutral and polar, with lysine, which is basic and polar, at codon 1238 of the VPS13B protein (p.Asn1238Lys). This variant is not present in population databases (gnomAD no frequency). This variant has not been reported in the literature in individuals affected with VPS13B-related conditions. Invitae Evidence Modeling of protein sequence and biophysical properties (such as structural, functional, and spatial information, amino acid conservation, physicochemical variation, residue mobility, and thermodynamic stability) indicates that this missense variant is not expected to disrupt VPS13B protein function with a negative predictive value of 80%. In summary, the available evidence is currently insufficient to determine the role of this variant in disease. Therefore, it has been classified as a Variant of Uncertain Significance.